The following is an entry in ClinVar:

ClinVar aggregate classification (germline): Uncertain significance (1 of 4 stars; one submission).

Allele frequency attached by ClinVar (database versions not stated): gnomAD 0.00001; TOPMed 0.00001.

Submission:

Labcorp Genetics (formerly Invitae), Labcorp
Classification: Uncertain significance. Last evaluated: 2022-06-23. Review status: criteria provided, single submitter. Criteria: Invitae Variant Classification Sherloc (09022015). Collection method: clinical testing. Allele origin: germline.
Comment: In summary, the available evidence is currently insufficient to determine the role of this variant in disease. Therefore, it has been classified as a Variant of Uncertain Significance. Algorithms developed to predict the effect of missense changes on protein structure and function are either unavailable or do not agree on the potential impact of this missense change (SIFT: "Deleterious"; PolyPhen-2: "Probably Damaging"; Align-GVGD: "Class C0"). This variant has not been reported in the literature in individuals affected with DHX32-related conditions. This variant is present in population databases (no rsID available, gnomAD 0.007%). This sequence change replaces leucine, which is neutral and non-polar, with tryptophan, which is neutral and slightly polar, at codon 455 of the DHX32 protein (p.Leu455Trp).

NM_018180.3(DHX32):c.1364T>G (p.Leu455Trp)

Genes: BCCIP (BRCA2 and CDKN1A interacting protein; plus strand), DHX32 (DEAH-box helicase 32 (putative); minus strand). Cytogenetic location: 10q26.2.
Variant type: single nucleotide variant.
Coding change: c.1364T>G on transcript NM_018180.3 (MANE Select); coding-DNA position 1364, T replaced by G.
Protein change: p.Leu455Trp; replaces leucine 455 with tryptophan.
Molecular consequence: missense variant. On other transcripts: 3 prime UTR variant (1), intron variant (1).
Genome position (GRCh38, 1-based): chr10:125,841,922, A>C on the plus strand (T>G on the coding strand, the complement: DHX32 is on the minus strand). VCF-style: chr10-125841922-A-C. GRCh37 (hg19) VCF-style: chr10-127530491-A-C.
Other names: c.*563A>C (NM_078469.3); c.850+592A>C (NM_016567.4); short protein forms L455W.
Identifiers: ClinVar variation 1945717 (VCV001945717.4), dbSNP rs1331251848, ClinGen allele CA378674468.